The following is an entry in ClinVar:

NM_024312.5(GNPTAB):c.3693+10A>T

Gene: GNPTAB (N-acetylglucosamine-1-phosphate transferase subunits alpha and beta; minus strand). Cytogenetic location: 12q23.2.
Variant type: single nucleotide variant.
Coding change: c.3693+10A>T on transcript NM_024312.5 (MANE Select); 10 bases into the intron after coding-DNA position 3693, A replaced by T.
Molecular consequence: intron variant.
Genome position (GRCh38, 1-based): chr12:101,749,091, T>A on the plus strand (A>T on the coding strand, the complement: GNPTAB is on the minus strand). VCF-style: chr12-101749091-T-A. GRCh37 (hg19) VCF-style: chr12-102142869-T-A.
Identifiers: ClinVar variation 195529 (VCV000195529.23), dbSNP rs76021817, ClinGen allele CA201810.
Genomic context (GRCh38, chr12:101,749,091, plus strand): 5'-TCTAAAACATTCAGATGCTAGTATACCAAGAAATACCATTTAATACCCACATAAAATATA[T>A]AAAACTTACCTGCTCAGCAAAAAATGAGAATATAGTAAACATAATCAATGTTGCTAGTAC-3'

ClinVar aggregate classification (germline): Benign/Likely benign. Review status: criteria provided, multiple submitters, no conflicts (2 of 4 stars). 9 submissions from 8 submitters: Benign (5); Likely benign (2). 2 of the submissions do not count toward it. Last evaluated 2026-02-04.

Conditions:
Mucolipidosis type II. Also called: Mucolipidosis II Alpha/Beta; Mucolipidosis 2; ML 2; Inclusion cell disease; Leroy Disease; N-acetylglucosamine 1phosphotransferase deficiency. Identifiers: Orphanet 576, MedGen C2673377, MONDO:0009650, OMIM 252500.
Pseudo-Hurler polydystrophy. Also called: Mucolipidosis III Alpha/Beta; Type III Mucolipidosis; ML IIIA; ML III; ML III ALPHA/BETA; MUCOLIPIDOSIS IIIA. Identifiers: Orphanet 423461, Orphanet 577, MedGen C0033788, MONDO:0018931, OMIM 252600.

Allele frequency attached by ClinVar (database versions not stated): TOPMed 0.02104; gnomAD exomes 0.01336; ExAC 0.01473; ESP Exome Variant Server 0.01938; gnomAD 0.02094 and 0.02246; 1000 Genomes Project 30x 0.01686; 1000 Genomes Project 0.01757.
gnomAD v4.1: 21,510 of 1,497,672 alleles (1.4%); highest among the groups gnomAD compares: African/African-American, 4%; 235 homozygotes.

Submissions (9):

Labcorp Genetics (formerly Invitae), Labcorp
Classification: Benign for Pseudo-Hurler polydystrophy; Mucolipidosis type II. Last evaluated: 2026-02-04. Review status: criteria provided, single submitter. Criteria: Invitae Variant Classification Sherloc (09022015). Collection method: clinical testing. Allele origin: germline.

GeneDx
Classification: Likely benign. Last evaluated: 2018-07-15. Review status: criteria provided, single submitter. Criteria: GeneDx Variant Classification Process June 2021. Collection method: clinical testing. Allele origin: germline. Affected: yes.

Illumina Laboratory Services, Illumina
Classification: Benign for Mucolipidosis type II. Last evaluated: 2018-01-12. Review status: criteria provided, single submitter. Criteria: ICSL Variant Classification Criteria 13 December 2019. Collection method: clinical testing. Allele origin: germline.
Comment: This variant was observed in the ICSL laboratory as part of a predisposition screen in an ostensibly healthy population. It had not been previously curated by ICSL or reported in the Human Gene Mutation Database (HGMD: prior to June 1st, 2018), and was therefore a candidate for classification through an automated scoring system. Utilizing variant allele frequency, disease prevalence and penetrance estimates, and inheritance mode, an automated score was calculated to assess if this variant is too frequent to cause the disease. Based on the score and internal cut-off values, a variant classified as benign is not then subjected to further curation. The score for this variant resulted in a classification of benign for this disease.

Illumina Laboratory Services, Illumina
Classification: Benign for Pseudo-Hurler polydystrophy. Last evaluated: 2018-01-12. Review status: criteria provided, single submitter. Criteria: ICSL Variant Classification Criteria 13 December 2019. Collection method: clinical testing. Allele origin: germline.
Comment: the same text as in the submission from Illumina Laboratory Services, Illumina above.

Women's Health and Genetics/Laboratory Corporation of America, LabCorp
Classification: Benign. Last evaluated: 2017-04-24. Review status: criteria provided, single submitter. Criteria: LabCorp Variant Classification Summary - May 2015. Collection method: clinical testing. Allele origin: germline.
Comment: Variant summary: The GNPTAB c.3693+10A>T variant involves the alteration of a non-conserved intronic nucleotide. One in silico tool predicts a benign outcome for this variant. 5/5 splice prediction tools predict no significant impact on normal splicing. However, these predictions have yet to be confirmed by functional studies. This variant was found in 1781/120940 control chromosomes (23 homozygotes) at a frequency of 0.0147263, which is approximately 7 times the estimated maximal expected allele frequency of a pathogenic GNPTAB variant (0.0022361), suggesting this variant is likely a benign polymorphism. In addition, multiple clinical diagnostic laboratories/reputable databases classified this variant as benign/likely benign. The variant of interest has not, to our knowledge, been reported in affected individuals via publications nor evaluated for functional impact by in vivo/vitro studies. Taken together, this variant is classified as benign.

Eurofins Ntd Llc (ga)
Classification: Benign. Last evaluated: 2014-09-19. Review status: criteria provided, single submitter. Criteria: EGL Classification Definitions 2015. Collection method: clinical testing. Allele origin: germline. Observed: 4 variant alleles, 4 heterozygotes.

Breakthrough Genomics
Classification: Likely benign. Review status: criteria provided, single submitter. Criteria: ACMG Guidelines, 2015. Collection method: not provided. Allele origin: germline. Inheritance: Autosomal recessive inheritance. Affected: yes.

Natera, Inc.
Classification: Benign for Mucolipidosis type II. Last evaluated: 2020-09-16. Review status: no assertion criteria provided. Collection method: clinical testing. Allele origin: germline. Not counted in ClinVar's aggregate classification.

Mayo Clinic Laboratories, Mayo Clinic
Classification: Benign. Last evaluated: 2015-10-26. Review status: no assertion criteria provided. Collection method: clinical testing. Allele origin: unknown. Not counted in ClinVar's aggregate classification.